The following is an entry in ClinVar:

ClinVar aggregate classification (germline): Likely pathogenic (1 of 4 stars; one submission).

Submission:

Labcorp Genetics (formerly Invitae), Labcorp
Classification: Likely pathogenic. Last evaluated: 2024-04-13. Review status: criteria provided, single submitter. Criteria: Invitae Variant Classification Sherloc (09022015). Collection method: clinical testing. Allele origin: germline.
Comment: This sequence change affects a donor splice site in intron 9 of the RIPK1 gene. It is expected to disrupt RNA splicing. Variants that disrupt the donor or acceptor splice site typically lead to a loss of protein function (PMID: 16199547), and loss-of-function variants in RIPK1 are known to be pathogenic (PMID: 31213653). This variant is not present in population databases (gnomAD no frequency). This variant has not been reported in the literature in individuals affected with RIPK1-related conditions. Algorithms developed to predict the effect of sequence changes on RNA splicing suggest that this variant may disrupt the consensus splice site. In summary, the currently available evidence indicates that the variant is pathogenic, but additional data are needed to prove that conclusively. Therefore, this variant has been classified as Likely Pathogenic.

Literature cited by the submitters: PubMed 16199547; PubMed 31213653.

NM_001354930.2(RIPK1):c.1576+2T>G

Gene: RIPK1 (receptor interacting serine/threonine kinase 1; plus strand). Cytogenetic location: 6p25.2.
Variant type: single nucleotide variant.
Coding change: c.1576+2T>G on transcript NM_001354930.2 (MANE Select); the canonical splice donor site of the intron after coding-DNA position 1576, T replaced by G.
Molecular consequence: splice donor variant.
Genome position (GRCh38, 1-based): chr6:3,106,053, T>G. VCF-style: chr6-3106053-T-G. GRCh37 (hg19) VCF-style: chr6-3106287-T-G.
Other names: c.1087+2T>G (NM_001317061.3, NM_001354932.2, NM_001354934.2 and 1 more transcripts); c.1576+2T>G (NM_003804.6); c.1438+2T>G (NM_001354931.2).
Identifiers: ClinVar variation 3630393 (VCV003630393.2).
Genomic context (GRCh38, chr6:3,106,053, plus strand): 5'-TGAGACCAACTATCTAGGAAATACACCCACCATGCCATTCAGCTCCTTGCCACCAACAGG[T>G]AAATGGGTCTTCGATAGTCACAAGCTTGTCTTTTTTTATTTTTCAGAAAATACAGCAACC-3'